The following is an entry in ClinVar:

ClinVar aggregate classification (germline): Uncertain significance (1 of 4 stars; one submission).

Conditions:
Neuroblastoma, susceptibility to, 3. Also called: ALK-Related Neuroblastic Tumor Susceptibility. Identifiers: Orphanet 635, MedGen C2751681, MONDO:0013083, OMIM 613014.

Submission:

Labcorp Genetics (formerly Invitae), Labcorp
Classification: Uncertain significance for Neuroblastoma, susceptibility to, 3. Last evaluated: 2024-05-15. Review status: criteria provided, single submitter. Criteria: Invitae Variant Classification Sherloc (09022015). Collection method: clinical testing. Allele origin: germline.
Comment: This variant, c.940_942del, results in the deletion of 1 amino acid(s) of the ALK protein (p.Glu314del), but otherwise preserves the integrity of the reading frame. This variant is not present in population databases (gnomAD no frequency). This variant has not been reported in the literature in individuals affected with ALK-related conditions. Experimental studies and prediction algorithms are not available or were not evaluated, and the functional significance of this variant is currently unknown. In summary, the available evidence is currently insufficient to determine the role of this variant in disease. Therefore, it has been classified as a Variant of Uncertain Significance.

NM_004304.5(ALK):c.940_942del (p.Glu314del)

Gene: ALK (ALK receptor tyrosine kinase; minus strand). Cytogenetic location: 2p23.2.
Variant type: Deletion.
Coding change: c.940_942del on transcript NM_004304.5 (MANE Select); coding-DNA positions 940 to 942, 3 bases deleted (GAG; older notation c.940_942delGAG).
Protein change: p.Glu314del; deletes glutamic acid 314.
Molecular consequence: inframe deletion.
Genome position (GRCh38, 1-based): chr2:29,694,860-29,694,862, CTC deleted on the plus strand (GAG on the coding strand, the reverse complement: ALK is on the minus strand); deleting any 3 consecutive bases within chr2:29,694,860-29,694,864 gives the same sequence; the c. name uses the placement nearest the transcript's 3' end. VCF-style (leftmost placement, unchanged base first): chr2-29694859-TCTC-T. GRCh37 (hg19) VCF-style: chr2-29917725-TCTC-T.
Other names: short protein forms E314del.
Identifiers: ClinVar variation 3629043 (VCV003629043.2).
Genomic context (GRCh38, chr2:29,694,859, plus strand): 5'-TCCAGCCTGGCCCTGACCCACCCAGGACATCACCAGCAGCCTCTCCCTTACCTCTGGGCA[TCTC>T]CTTAGAACGCTCTGCCCCAGGCCCATCCAGCAAGTCCATCTGGGAGGCCTCCTCGGAGGG-3'